The following is an entry in ClinVar:

NM_004380.3(CREBBP):c.5377C>T (p.Pro1793Ser)

Gene: CREBBP (CREB binding lysine acetyltransferase; minus strand). Cytogenetic location: 16p13.3.
Variant type: single nucleotide variant.
Coding change: c.5377C>T on transcript NM_004380.3 (MANE Select); coding-DNA position 5377, C replaced by T.
Protein change: p.Pro1793Ser; replaces proline 1793 with serine.
Molecular consequence: missense variant.
Genome position (GRCh38, 1-based): chr16:3,729,670, G>A on the plus strand (C>T on the coding strand, the complement: CREBBP is on the minus strand). VCF-style: chr16-3729670-G-A. GRCh37 (hg19) VCF-style: chr16-3779671-G-A.
Other names: c.5263C>T, p.Pro1755Ser (NM_001079846.1); short protein forms P1755S, P1793S.
Identifiers: ClinVar variation 3251943 (VCV003251943.1), dbSNP rs2151311286.
Genomic context (GRCh38, chr16:3,729,670, plus strand): 5'-TGGTCTTGCGTTTGCAGCCCTTGGTGTGCTGCACCACCCGCTTCATCTTCTGGCAGGATG[G>A]CAGCGAGCAGTTGGCGTTGCGGCACTGGCACGCGTGCACCAGCGACTGGATGCAGCGCTG-3'
Protein context (NP_004371.2, residues 1783-1803): CQCRNANCSL[Pro1793Ser]SCQKMKRVVQ

ClinVar aggregate classification (germline): Uncertain significance (1 of 4 stars; one submission).

Conditions:
Rubinstein-Taybi syndrome due to CREBBP mutations (RSTS1). Also called: BROAD THUMB-HALLUX SYNDROME; CREBBP-Related Rubinstein-Taybi Syndrome; Rubinstein-Taybi syndrome 1; RUBINSTEIN SYNDROME; BROAD THUMBS AND GREAT TOES, CHARACTERISTIC FACIES, AND IMPAIRED INTELLECTUAL DEVELOPMENT; RUBINSTEIN-TAYBI SYNDROME 1, INCOMPLETE. Identifiers: Orphanet 353277, Orphanet 783, MedGen C4551859, MONDO:0008393, OMIM 180849.
Menke-Hennekam syndrome 1 (MKHK1). Identifiers: MedGen C5193034, MONDO:0020763, OMIM 618332.

Submission:

Institute of Immunology and Genetics Kaiserslautern
Classification: Uncertain significance for Menke-Hennekam syndrome 1; Rubinstein-Taybi syndrome due to CREBBP mutations. Last evaluated: 2024-07-03. Review status: criteria provided, single submitter. Criteria: ACMG Guidelines, 2015. Collection method: clinical testing. Allele origin: germline. Affected: yes.
Comment: ACMG Criteria: PM2_P; Variant was found in heterozygous state